The following is an entry in ClinVar:

ClinVar aggregate classification (germline): Uncertain significance (0 of 4 stars; one submission).

Conditions:
Carcinoma of colon (CRC). Also called: Colonic carcinoma; Colon carcinoma. Identifiers: MedGen C0699790, MONDO:0002032.

Submission:

Immunobiology Lab; University of Kashmir
Classification: Uncertain significance for Carcinoma of colon. Last evaluated: 2015-01-24. Review status: no assertion criteria provided. Collection method: case-control. Allele origin: somatic. Affected: yes. Study: Mutational Hotspot profiling of Tyrosine Kinase domain of VEGF receptors in Human colorectal tumors.
Comment: The variation(s) were confirmed by double pass sequencing of PCR products amplified from genomic DNA of colonic lesions fron colorectal patients

NM_182925.5(FLT4):c.2407-6C>G

Genes: FLT4 (fms related receptor tyrosine kinase 4; minus strand), LOC126807632 (CDK7 strongly-dependent group 2 enhancer GRCh37_chr5:180046831-180048030; plus strand). Cytogenetic location: 5q35.3.
Variant type: single nucleotide variant.
Coding change: c.2407-6C>G on transcript NM_182925.5 (MANE Select); 6 bases into the intron before coding-DNA position 2407, C replaced by G.
Molecular consequence: intron variant.
Genome position (GRCh38, 1-based): chr5:180,620,314, G>C on the plus strand (C>G on the coding strand, the complement: FLT4 is on the minus strand). VCF-style: chr5-180620314-G-C. GRCh37 (hg19) VCF-style: chr5-180047314-G-C.
Other names: KM484819; c.2407-6C>G (NM_001354989.2, NM_002020.5).
Identifiers: ClinVar variation 204350 (VCV000204350.3), dbSNP rs796052107, ClinGen allele CA251290.
Genomic context (GRCh38, chr5:180,620,314, plus strand): 5'-CCCCGGGGTCCATGATGATGGACAGGTAGCCCGTCTTGATGTCTGCGTGGGCCGGCTGCG[G>C]GGAGGGGACAGGGAGGAGTGGGGCAGCTCACTGATTTGGCCATACCACTGTGGCTTGGGC-3'